The following is an entry in ClinVar:

ClinVar aggregate classification (germline): Likely benign (1 of 4 stars; one submission).

Submission:

CeGaT Center for Human Genetics Tuebingen
Classification: Likely benign. Last evaluated: 2024-04-01. Review status: criteria provided, single submitter. Criteria: CeGaT Center For Human Genetics Tuebingen Variant Classification Criteria Version 2. Collection method: clinical testing. Allele origin: germline. Affected: yes. Observed: 1 variant allele.
Comment: UNC80: PM2:Supporting, BP4, BP7

NM_001371986.1(UNC80):c.9843A>T (p.Leu3281=)

Gene: UNC80 (unc-80 subunit of NALCN channel complex; plus strand). Cytogenetic location: 2q34.
Variant type: single nucleotide variant.
Coding change: c.9843A>T on transcript NM_001371986.1 (MANE Select); coding-DNA position 9843, A replaced by T.
Protein change: p.Leu3281=; no amino-acid change (leucine 3281 retained).
Molecular consequence: synonymous variant.
Genome position (GRCh38, 1-based): chr2:209,995,463, A>T. VCF-style: chr2-209995463-A-T. GRCh37 (hg19) VCF-style: chr2-210860187-A-T.
Other names: c.9645A>T, p.Leu3215= (NM_032504.2); c.9573A>T, p.Leu3191= (NM_182587.4).
Identifiers: ClinVar variation 3234687 (VCV003234687.20), dbSNP rs2471270548, ClinGen allele CA431121298.